The following is an entry in ClinVar:

ClinVar aggregate classification (germline): Uncertain significance (1 of 4 stars; one submission).

Conditions:
Osteogenesis imperfecta type I (OI1). Also called: Lobstein's Disease; Osteogenesis imperfecta type 1; Lobstein disease; Classic Non-deforming Osteogenesis Imperfecta with Blue Sclerae; OI, TYPE I; OSTEOGENESIS IMPERFECTA TARDA. Identifiers: Orphanet 216796, Orphanet 666, MedGen C0023931, MONDO:0008146, OMIM 166200. Disease mechanism: loss of function.

Submission:

Labcorp Genetics (formerly Invitae), Labcorp
Classification: Uncertain significance for Osteogenesis imperfecta type I. Last evaluated: 2022-10-14. Review status: criteria provided, single submitter. Criteria: Invitae Variant Classification Sherloc (09022015). Collection method: clinical testing. Allele origin: germline.
Comment: In summary, the available evidence is currently insufficient to determine the role of this variant in disease. Therefore, it has been classified as a Variant of Uncertain Significance. This variant has not been reported in the literature in individuals affected with COL1A1-related conditions. A copy number gain of the genomic region encompassing the full coding sequence of the COL1A1 gene has been identified. The boundaries of this event are unknown as they extend beyond the assayed region for this gene and therefore may encompass additional genes. As the precise location of this event is unknown, it may be in tandem or it may be located elsewhere in the genome.

NC_000017.10:g.(?_48262863)_(48278874_?)dup

Gene: COL1A1 (collagen type I alpha 1 chain; minus strand). Cytogenetic location: 17q21.33.
Variant type: Duplication.
Identifiers: ClinVar variation 2422332 (VCV002422332.4).